The following is an entry in ClinVar:

NM_000135.4(FANCA):c.3662A>C (p.Asn1221Thr)

Gene: FANCA (FA complementation group A; minus strand). Cytogenetic location: 16q24.3.
Variant type: single nucleotide variant.
Coding change: c.3662A>C on transcript NM_000135.4 (MANE Select); coding-DNA position 3662, A replaced by C.
Protein change: p.Asn1221Thr; replaces asparagine 1221 with threonine.
Molecular consequence: missense variant.
Genome position (GRCh38, 1-based): chr16:89,742,903, T>G on the plus strand (A>C on the coding strand, the complement: FANCA is on the minus strand). VCF-style: chr16-89742903-T-G. GRCh37 (hg19) VCF-style: chr16-89809311-T-G.
Other names: c.3662A>C, p.Asn1221Thr (NM_001286167.3); short protein forms N1221T.
Identifiers: ClinVar variation 3512676 (VCV003512676.1).

ClinVar aggregate classification (germline): Uncertain significance (1 of 4 stars; one submission).

Conditions:
Inborn genetic diseases. Identifiers: MedGen C0950123, MeSH D030342.

Submission:

Ambry Genetics
Classification: Uncertain significance for Inborn genetic diseases. Last evaluated: 2024-11-26. Review status: criteria provided, single submitter. Criteria: Ambry Variant Classification Scheme 2023. Collection method: clinical testing. Allele origin: germline.
Comment: The p.N1221T variant (also known as c.3662A>C), located in coding exon 37 of the FANCA gene, results from an A to C substitution at nucleotide position 3662. The asparagine at codon 1221 is replaced by threonine, an amino acid with similar properties. This amino acid position is conserved. In addition, this alteration is predicted to be tolerated by in silico analysis. Based on the available evidence, the clinical significance of this variant remains unclear.